The following is an entry in ClinVar:

NM_000256.3(MYBPC3):c.1223+1G>A

Gene: MYBPC3 (myosin binding protein C3; minus strand). Cytogenetic location: 11p11.2.
Variant type: single nucleotide variant.
Coding change: c.1223+1G>A on transcript NM_000256.3 (MANE Select); the canonical splice donor site of the intron after coding-DNA position 1223, G replaced by A.
Molecular consequence: splice donor variant.
Genome position (GRCh38, 1-based): chr11:47,343,491, C>T on the plus strand (G>A on the coding strand, the complement: MYBPC3 is on the minus strand). VCF-style: chr11-47343491-C-T. GRCh37 (hg19) VCF-style: chr11-47365042-C-T.
Identifiers: ClinVar variation 181066 (VCV000181066.17), dbSNP rs730880639, ClinGen allele CA009895.

ClinVar aggregate classification (germline): Pathogenic/Likely pathogenic. Review status: criteria provided, multiple submitters, no conflicts (2 of 4 stars). 6 submissions from 6 submitters: Pathogenic (4); Likely pathogenic (2). Last evaluated 2025-12-09.

Conditions:
Cardiomyopathy (CMYO). Also called: Cardiomyopathies. Identifiers: Orphanet 167848, MedGen C0878544, MONDO:0004994, HP:0001638. Inheritance: Various modes of inheritance.
Hypertrophic cardiomyopathy. Also called: HYPERTROPHIC MYOCARDIOPATHY. Identifiers: Orphanet 217569, MedGen C0007194, MeSH D002312, MONDO:0005045, HP:0001639.

Allele frequency attached by ClinVar (database versions not stated): gnomAD exomes below 0.00001 and 0.00001.
gnomAD v4.1: 6 of 1,584,508 alleles (0.00038%); highest among the groups gnomAD compares: East Asian, 0.0046%; no homozygotes.

Submissions (6):

Labcorp Genetics (formerly Invitae), Labcorp
Classification: Pathogenic for Hypertrophic cardiomyopathy. Last evaluated: 2025-12-09. Review status: criteria provided, single submitter. Criteria: Invitae Variant Classification Sherloc (09022015). Collection method: clinical testing. Allele origin: germline.
Comment: This sequence change affects a donor splice site in intron 13 of the MYBPC3 gene. It is expected to disrupt RNA splicing. Variants that disrupt the donor or acceptor splice site typically lead to a loss of protein function (PMID: 16199547), and loss-of-function variants in MYBPC3 are known to be pathogenic (PMID: 19574547). The frequency data for this variant in the population databases is considered unreliable, as metrics indicate poor data quality at this position in the gnomAD database. Disruption of this splice site has been observed in individuals with hypertrophic cardiomyopathy (PMID: 18258667, 20624503, 29497013; internal data). ClinVar contains an entry for this variant (Variation ID: 181066). Algorithms developed to predict the effect of sequence changes on RNA splicing suggest that this variant may disrupt the consensus splice site. For these reasons, this variant has been classified as Pathogenic.

GeneDx
Classification: Pathogenic. Last evaluated: 2025-09-04. Review status: criteria provided, single submitter. Criteria: GeneDx Variant Classification Process June 2021. Collection method: clinical testing. Allele origin: germline. Affected: yes.
Comment: Canonical splice site variant predicted to result in a null allele in a gene for which loss of function is a known mechanism of disease; Not observed at significant frequency in large population cohorts (gnomAD); This variant is associated with the following publications: (PMID: 29497013, 33673806, 34076677, 37652022, 21239446)

Molecular Genetics, Royal Melbourne Hospital
Classification: Likely pathogenic for Hypertrophic cardiomyopathy. Last evaluated: 2024-09-08. Review status: criteria provided, single submitter. Criteria: ACMG Guidelines, 2015. Collection method: clinical testing. Allele origin: germline. Inheritance: Autosomal dominant inheritance. Affected: yes.
Comment: This sequence change in MYBPC3 occurs within the canonical splice donor site of intron 13. It is predicted to cause skipping of (biologically relevant) exon 13 (or exon 13-14), or cryptic donor site activation, any of which would result in a frameshift leading to nonsense-mediated decay in a gene in which loss-of-function is an established disease mechanism (PMID: 7493026, 9048664, 9562578, 17823372, 19574547). The highest population minor allele frequency in the population database gnomAD v4.1 is 0.005% (2/43,362 alleles) in the East Asian population. This variant has been reported in at least five unrelated probands with hypertrophic cardiomyopathy (PMID: 37652022, 33673806, 21239446, 20624503, 29497013). Other variants altering this donor splice site have been classified as pathogenic for hypertrophic cardiomyopathy (ClinVar ID: 861189, 843383, 181068). Based on the classification scheme RMH Modified ACMG/AMP Guidelines v1.7.0, this variant is classified as LIKELY PATHOGENIC Following criteria are met: PVS1.

Color Diagnostics, LLC DBA Color Health
Classification: Likely pathogenic for Cardiomyopathy. Last evaluated: 2024-03-05. Review status: criteria provided, single submitter. Criteria: ACMG Guidelines, 2015. Collection method: clinical testing. Allele origin: germline.
Comment: This variant causes a G>A nucleotide substitution at the canonical +1 position of intron 13 of the MYBPC3 gene. Splice site prediction tools suggest that this variant may have a significant impact on RNA splicing. Although this prediction has not been confirmed in published RNA studies, this variant is expected to result in an absent or disrupted protein product. This variant has been reported in at least four individuals affected with hypertrophic cardiomyopathy (PMID: 21239446, 23140321, 29497013, 33673806). This variant has been identified in 3/203014 chromosomes in the general population by the Genome Aggregation Database (gnomAD). Different variants affecting the same splice donor site: c.1223+1G>T, c.1223+2T>G, c.1223+2T>C; are known to be disease-causing (ClinVar variation ID: 861189, 181068, 843383). Loss of MYBPC3 function is a known mechanism of disease. Based on the available evidence, this variant is classified as Likely Pathogenic.

All of Us Research Program, National Institutes of Health
Classification: Pathogenic for Hypertrophic cardiomyopathy. Last evaluated: 2024-01-08. Review status: criteria provided, single submitter. Criteria: ACMG Guidelines, 2015. Collection method: clinical testing. Allele origin: germline. Inheritance: Autosomal dominant inheritance. Observed: 1 variant allele, 1 heterozygote.
Comment: The c.1223+1G>A variant is located in intron 13 of the MYBPC3 gene. This variant is predicted to result in the loss of canonical splice donor site and the alteration of mRNA splicing (spliceAI delta score 0.92), resulting in an absent or aberrant protein product. Loss-of-function variants in MYBPC3 gene are known to be pathogenic (PMID: 19574547). This variant has been identified in multiple unrelated individuals with hypertrophic cardiomyopathy (HCM) (PMID: 29497013, 21239446, 33673806). This variant is reported in ClinVar (ID: 181066). An alternative variant c.1223+2T>C, which also disrupts this splice site has been reported in a HCM patient (PMID: 27532257) and has been classified as pathogenic (ClinVar ID: 181068). This variant is rare (3/203014) in the general population database, gnomAD. Therefore, the c.1223+1G>A variant in the MYBPC3 gene is classified as pathogenic.

This study involves interpretation of variants in research participants for the purpose of population health screening. Participant phenotype was not available at the time of variant classification. Additional details can be found in publication PMID: 35346344, PMCID: PMC8962531

CHEO Genetics Diagnostic Laboratory, Children's Hospital of Eastern Ontario
Classification: Pathogenic for Cardiomyopathy. Last evaluated: 2022-04-01. Review status: criteria provided, single submitter. Criteria: ACMG Guidelines, 2015. Collection method: clinical testing. Allele origin: germline.

Literature cited by the submitters: PubMed 16199547 (cited by Labcorp Genetics (formerly Invitae), Labcorp); PubMed 19574547 (cited by 3 submitters); PubMed 18258667 (cited by Labcorp Genetics (formerly Invitae), Labcorp); PubMed 20624503 (cited by Labcorp Genetics (formerly Invitae), Labcorp and Molecular Genetics, Royal Melbourne Hospital); PubMed 29497013 (cited by 4 submitters); PubMed 7493026 (cited by Molecular Genetics, Royal Melbourne Hospital); PubMed 9048664 (cited by Molecular Genetics, Royal Melbourne Hospital); PubMed 9562578 (cited by Molecular Genetics, Royal Melbourne Hospital); PubMed 17823372 (cited by Molecular Genetics, Royal Melbourne Hospital); PubMed 21239446 (cited by 3 submitters); PubMed 33673806 (cited by 3 submitters); PubMed 37652022 (cited by Molecular Genetics, Royal Melbourne Hospital); PubMed 23140321 (cited by Color Diagnostics, LLC DBA Color Health); PubMed 27532257 (cited by All of Us Research Program, National Institutes of Health).